The following is an entry in ClinVar:

ClinVar aggregate classification (germline): Conflicting classifications of pathogenicity. Review status: criteria provided, conflicting classifications (1 of 4 stars). 4 submissions from 4 submitters: Pathogenic (1); Likely pathogenic (2); Uncertain significance (1). Last evaluated 2026-05-18.

Conditions:
Cardiovascular phenotype. Identifiers: MedGen CN230736.
ACVRL1-related disorder. Also called: ACVRL1-related disorders; ACVRL1-related condition.
Telangiectasia, hereditary hemorrhagic, type 2 (HHT2). Also called: ACVRL1-Related Hereditary Hemorrhagic Telangiectasia; Telangiectasia, hereditary hemorrhagic, type II. Identifiers: Orphanet 774, MedGen C1838163, MONDO:0010880, OMIM 600376. Disease mechanism: loss of function.

Submissions (4):

Ambry Genetics
Classification: Likely pathogenic for Cardiovascular phenotype. Last evaluated: 2026-05-18. Review status: criteria provided, single submitter. Criteria: Ambry Variant Classification Scheme 2023. Collection method: clinical testing. Allele origin: germline.
Comment: The p.A478P variant (also known as c.1432G>C), located in coding exon 9 of the ACVRL1 gene, results from a G to C substitution at nucleotide position 1432. The alanine at codon 478 is replaced by proline, an amino acid with highly similar properties. This variant was reported in individual(s) with features consistent with ACVRL1-related vascular disorder (Kim D et al. Neurointervention, 2019 Sep;14:91-98; Ambry internal data; external communication). Based on internal structural analysis, this variant is anticipated to result in a significant decrease in structural stability (Kerr G et al. Angiogenesis, 2015 Apr;18:209-17). This amino acid position is highly conserved in available vertebrate species. In addition, the in silico prediction for this alteration is inconclusive. This variant is considered to be rare based on population cohorts in the Genome Aggregation Database (gnomAD). Based on the majority of available evidence to date, this variant is likely to be pathogenic.

Labcorp Genetics (formerly Invitae), Labcorp
Classification: Pathogenic for Telangiectasia, hereditary hemorrhagic, type 2. Last evaluated: 2024-04-03. Review status: criteria provided, single submitter. Criteria: Invitae Variant Classification Sherloc (09022015). Collection method: clinical testing. Allele origin: germline.
Comment: This sequence change replaces alanine, which is neutral and non-polar, with proline, which is neutral and non-polar, at codon 478 of the ACVRL1 protein (p.Ala478Pro). This variant is not present in population databases (gnomAD no frequency). This missense change has been observed in individual(s) with clinical features of hereditary hemorrhagic telangiectasia (Invitae). ClinVar contains an entry for this variant (Variation ID: 1330750). Advanced modeling of protein sequence and biophysical properties (such as structural, functional, and spatial information, amino acid conservation, physicochemical variation, residue mobility, and thermodynamic stability) performed at Invitae indicates that this missense variant is expected to disrupt ACVRL1 protein function with a positive predictive value of 95%. This variant disrupts the p.Ala478 amino acid residue in ACVRL1. Other variant(s) that disrupt this residue have been observed in individuals with ACVRL1-related conditions (PMID: 22632830, 30578397; Invitae), which suggests that this may be a clinically significant amino acid residue. For these reasons, this variant has been classified as Pathogenic.

ARUP Laboratories, Molecular Genetics and Genomics, ARUP Laboratories
Classification: Uncertain significance for Telangiectasia, hereditary hemorrhagic, type 2. Last evaluated: 2021-10-11. Review status: criteria provided, single submitter. Criteria: ARUP Molecular Germline Variant Investigation Process 2021. Collection method: clinical testing. Allele origin: germline.
Comment: The ACVRL1 c.1432G>C; p.Ala478Pro variant is reported in the literature in a single individual affected with suspected hereditary hemorrhagic telangiectasia (HHT) (Kim 2017). This variant is absent from general population databases (Exome Variant Server, Genome Aggregation Database), indicating it is not a common polymorphism. The alanine at codon 478 is highly conserved, but computational analyses are uncertain whether this variant is neutral or deleterious (REVEL: 0.526). Other amino acid substitutions at this codon (p.Ala478Asp, p.Ala478Val) or the adjacent codon (p.Arg479Gln, p.Arg479Leu) have been reported in individuals with HHT or pulmonary arterial hypertension (Bayrak-Toydemir 2008, Chida 2012, Wang 2019), suggesting functional importance of this region of the protein. However, given the lack of clinical and functional data, the significance of the p.Ala478Pro variant is uncertain at this time. References: Bayrak-Toydemir P et al. Likelihood ratios to assess genetic evidence for clinical significance of uncertain variants: hereditary hemorrhagic telangiectasia as a model. Exp Mol Pathol. 2008 Aug;85(1):45-9. PMID: 18495117. Chida A et al. Outcomes of childhood pulmonary arterial hypertension in BMPR2 and ALK1 mutation carriers. Am J Cardiol. 2012 Aug 15;110(4):586-93. PMID: 22632830. Kim SK et al. ST Elevation Myocardial Infarction in a Patient with Hereditary Hemorrhagic Telangiectasia Involving the Liver. Korean J Med. 2017;92(2):182-185. Wang XJ et al. Germline BMP9 mutation causes idiopathic pulmonary arterial hypertension. Eur Respir J. 2019 Mar 14;53(3):1801609. PMID: 30578397.

Blueprint Genetics
Classification: Likely pathogenic for ACVRL1-related disorders. Last evaluated: 2021-07-29. Review status: criteria provided, single submitter. Criteria: ACMG Guidelines, 2015. Collection method: clinical testing. Allele origin: germline. Affected: yes. Observed: 1 variant allele.

Literature cited by the submitters: PubMed 25557927 (cited by Ambry Genetics); PubMed 31455059 (cited by Ambry Genetics); PubMed 22632830 (cited by Labcorp Genetics (formerly Invitae), Labcorp); PubMed 30578397 (cited by Labcorp Genetics (formerly Invitae), Labcorp).

NM_000020.3(ACVRL1):c.1432G>C (p.Ala478Pro)

Gene: ACVRL1 (activin A receptor like type 1; plus strand). Cytogenetic location: 12q13.13.
Variant type: single nucleotide variant.
Coding change: c.1432G>C on transcript NM_000020.3 (MANE Select); coding-DNA position 1432, G replaced by C.
Protein change: p.Ala478Pro; replaces alanine 478 with proline.
Molecular consequence: missense variant.
Genome position (GRCh38, 1-based): chr12:51,920,813, G>C. VCF-style: chr12-51920813-G-C. GRCh37 (hg19) VCF-style: chr12-52314597-G-C.
Other names: c.1432G>C, p.Ala478Pro (NM_001077401.2); c.1432G>C (NM_000020.2); short protein forms A478P.
Identifiers: ClinVar variation 1330750 (VCV001330750.11), dbSNP rs1295923763, ClinGen allele CA384905669.